The following is an entry in ClinVar:

NM_007043.7(KRR1):c.394-18_394-8dup

Gene: KRR1 (KRR1 small subunit processome component; minus strand). Cytogenetic location: 12q21.2.
Variant type: Duplication.
Coding change: c.394-18_394-8dup on transcript NM_007043.7 (MANE Select); 18 bases into the intron before coding-DNA position 394 through 8 bases into the intron before coding-DNA position 394, 11 bases duplicated (TTTTTTTTTTT).
Molecular consequence: intron variant.
Genome position (GRCh38, 1-based): chr12:75,506,617-75,506,627, AAAAAAAAAAA duplicated on the plus strand (TTTTTTTTTTT on the coding strand, the reverse complement: KRR1 is on the minus strand); duplicating any 11 consecutive bases within chr12:75,506,617-75,506,633 gives the same sequence; the c. name uses the placement nearest the transcript's 3' end. VCF-style (leftmost placement, unchanged base first): chr12-75506616-C-CAAAAAAAAAAA. GRCh37 (hg19) VCF-style: chr12-75900396-C-CAAAAAAAAAAA.
Identifiers: ClinVar variation 2643183 (VCV002643183.24), dbSNP rs35071517, ClinGen allele CA691931579.
Genomic context (GRCh38, chr12:75,506,616, plus strand): 5'-AGAACCTATTTTAATGATGTCACATGCAACATCATCCTGAAGAATTCGTACTGCCTTTTG[C>CAAAAAAAAAAA]AAAAAAAAAAAAAAAAAGAAGACATTATCAACATTTTTTACAATTACATTCATTTTCCAG-3'

ClinVar aggregate classification (germline): Likely benign (1 of 4 stars; one submission).

Submission:

CeGaT Center for Human Genetics Tuebingen
Classification: Likely benign. Last evaluated: 2023-01-01. Review status: criteria provided, single submitter. Criteria: CeGaT Center For Human Genetics Tuebingen Variant Classification Criteria Version 2. Collection method: clinical testing. Allele origin: germline. Affected: yes. Observed: 3 variant alleles.
Comment: KRR1: BP4, BS2